The following is an entry in ClinVar:

NM_007186.6(CEP250):c.3401C>T (p.Thr1134Met)

Gene: CEP250 (centrosomal protein 250; plus strand). Cytogenetic location: 20q11.22.
Variant type: single nucleotide variant.
Coding change: c.3401C>T on transcript NM_007186.6 (MANE Select); coding-DNA position 3401, C replaced by T.
Protein change: p.Thr1134Met; replaces threonine 1134 with methionine.
Molecular consequence: missense variant.
Genome position (GRCh38, 1-based): chr20:35,497,813, C>T. VCF-style: chr20-35497813-C-T. GRCh37 (hg19) VCF-style: chr20-34085642-C-T.
Other names: c.1505C>T, p.Thr502Met (NM_001318219.1); short protein forms T1134M, T502M.
Identifiers: ClinVar variation 1018702 (VCV001018702.8), dbSNP rs545422424, ClinGen allele CA9833464.

ClinVar aggregate classification (germline): Uncertain significance. Review status: criteria provided, multiple submitters, no conflicts (2 of 4 stars). 3 submissions from 3 submitters: Uncertain significance (2). 1 of the submissions does not count toward it. Last evaluated 2024-08-20.

Conditions:
Optic atrophy. Identifiers: MedGen C0029124, MONDO:0003608, HP:0000648.

Allele frequency attached by ClinVar (database versions not stated): gnomAD 0.00003; gnomAD exomes 0.00004 and 0.00006; TOPMed 0.00007; ExAC 0.00009; 1000 Genomes Project 30x 0.00016; 1000 Genomes Project 0.00020.
gnomAD v4.1: 91 of 1,563,872 alleles (0.0058%); highest among the groups gnomAD compares: Middle Eastern, 0.017%; no homozygotes.

Submissions (3):

Labcorp Genetics (formerly Invitae), Labcorp
Classification: Uncertain significance. Last evaluated: 2024-08-20. Review status: criteria provided, single submitter. Criteria: Invitae Variant Classification Sherloc (09022015). Collection method: clinical testing. Allele origin: germline.
Comment: This sequence change replaces threonine, which is neutral and polar, with methionine, which is neutral and non-polar, at codon 1134 of the CEP250 protein (p.Thr1134Met). This variant is present in population databases (rs545422424, gnomAD 0.007%). This variant has not been reported in the literature in individuals affected with CEP250-related conditions. ClinVar contains an entry for this variant (Variation ID: 1018702). An algorithm developed to predict the effect of missense changes on protein structure and function (PolyPhen-2) suggests that this variant¬†is likely to be tolerated. In summary, the available evidence is currently insufficient to determine the role of this variant in disease. Therefore, it has been classified as a Variant of Uncertain Significance.

Blueprint Genetics
Classification: Uncertain significance. Last evaluated: 2024-03-15. Review status: criteria provided, single submitter. Criteria: ACMG Guidelines, 2015. Collection method: clinical testing. Allele origin: germline.

Institute of Human Genetics, Univ. Regensburg, Univ. Regensburg
Classification: Uncertain significance for Optic atrophy. Last evaluated: 2023-01-01. Review status: no assertion criteria provided. Criteria: ACMG Guidelines, 2015. Collection method: clinical testing. Allele origin: germline. Affected: yes. Not counted in ClinVar's aggregate classification.